The following is an entry in ClinVar:

ClinVar aggregate classification (germline): Uncertain significance (1 of 4 stars; one submission).

Conditions:
Ehlers-Danlos syndrome, classic type, 1 (EDSCL1). Also called: EHLERS-DANLOS SYNDROME, GRAVIS TYPE; EHLERS-DANLOS SYNDROME, SEVERE CLASSIC TYPE; Ehlers-Danlos Syndrome, Classic Type, COL5A1-Related; EDS I; Ehlers-Danlos syndrome, type 1. Identifiers: MedGen C0268335, MONDO:0019567, OMIM 130000.

Allele frequency attached by ClinVar (database versions not stated): gnomAD exomes 0.00001.
gnomAD v4.1: 15 of 1,614,098 alleles (0.00093%); highest among the groups gnomAD compares: Middle Eastern, 0.033%; no homozygotes.

Submission:

Labcorp Genetics (formerly Invitae), Labcorp
Classification: Uncertain significance for Ehlers-Danlos syndrome, classic type, 1. Last evaluated: 2025-09-25. Review status: criteria provided, single submitter. Criteria: Invitae Variant Classification Sherloc (09022015). Collection method: clinical testing. Allele origin: germline.
Comment: This sequence change replaces glutamic acid, which is acidic and polar, with lysine, which is basic and polar, at codon 308 of the COL5A1 protein (p.Glu308Lys). This variant is present in population databases (rs770173348, gnomAD 0.003%). This variant has not been reported in the literature in individuals affected with COL5A1-related conditions. ClinVar contains an entry for this variant (Variation ID: 409112). An algorithm developed to predict the effect of missense changes on protein structure and function outputs the following: PolyPhen-2: "Benign". The lysine amino acid residue is found in multiple mammalian species, which suggests that this missense change does not adversely affect protein function. In summary, the available evidence is currently insufficient to determine the role of this variant in disease. Therefore, it has been classified as a Variant of Uncertain Significance.

NM_000093.5(COL5A1):c.922G>A (p.Glu308Lys)

Gene: COL5A1 (collagen type V alpha 1 chain; plus strand). Cytogenetic location: 9q34.3.
Variant type: single nucleotide variant.
Coding change: c.922G>A on transcript NM_000093.5 (MANE Select); coding-DNA position 922, G replaced by A.
Protein change: p.Glu308Lys; replaces glutamic acid 308 with lysine.
Molecular consequence: missense variant.
Genome position (GRCh38, 1-based): chr9:134,728,805, G>A. VCF-style: chr9-134728805-G-A. GRCh37 (hg19) VCF-style: chr9-137620651-G-A.
Other names: c.922G>A, p.Glu308Lys (NM_001278074.1); short protein forms E308K.
Identifiers: ClinVar variation 409112 (VCV000409112.48), dbSNP rs770173348, ClinGen allele CA5318570.